The following is an entry in ClinVar:

NM_001330260.2(SCN8A):c.2746C>T (p.Arg916Cys)

Gene: SCN8A (sodium voltage-gated channel alpha subunit 8; plus strand). Cytogenetic location: 12q13.13.
Variant type: single nucleotide variant.
Coding change: c.2746C>T on transcript NM_001330260.2 (MANE Select); coding-DNA position 2746, C replaced by T.
Protein change: p.Arg916Cys; replaces arginine 916 with cysteine.
Molecular consequence: missense variant.
Genome position (GRCh38, 1-based): chr12:51,765,872, C>T. VCF-style: chr12-51765872-C-T. GRCh37 (hg19) VCF-style: chr12-52159656-C-T.
Other names: c.2746C>T (NM_014191.3); c.2746C>T, p.Arg916Cys (NM_001177984.3, NM_001369788.1, NM_014191.4); short protein forms R916C.
Identifiers: ClinVar variation 2001448 (VCV002001448.6), dbSNP rs2540260530, ClinGen allele CA384888407.

ClinVar aggregate classification (germline): Uncertain significance. Review status: criteria provided, multiple submitters, no conflicts (2 of 4 stars). 2 submissions from 2 submitters: Uncertain significance (2). Last evaluated 2025-04-29.

Conditions:
Early-infantile DEE. Also called: Early infantile epileptic encephalopathy; Ohtahara syndrome; Early infantile epileptic encephalopathy with suppression bursts. Identifiers: Orphanet 1934, MedGen C0393706, MONDO:0800491.

Allele frequency attached by ClinVar (database versions not stated): gnomAD exomes below 0.00001.
gnomAD v4.1: 1 of 1,614,048 alleles (0.000062%); highest among the groups gnomAD compares: Non-Finnish European, 0.000085%; no homozygotes.

Submissions (2):

GeneDx
Classification: Uncertain significance. Last evaluated: 2025-04-29. Review status: criteria provided, single submitter. Criteria: GeneDx Variant Classification Process June 2021. Collection method: clinical testing. Allele origin: germline. Affected: yes.
Comment: Not observed at significant frequency in large population cohorts (gnomAD); In silico analysis supports that this missense variant has a deleterious effect on protein structure/function; This substitution is predicted to be within the extracellular loop between the S5 and S6 transmembrane segments of the second homologous domain; Has not been previously published as pathogenic or benign to our knowledge

Labcorp Genetics (formerly Invitae), Labcorp
Classification: Uncertain significance for Early-infantile DEE. Last evaluated: 2022-05-31. Review status: criteria provided, single submitter. Criteria: Invitae Variant Classification Sherloc (09022015). Collection method: clinical testing. Allele origin: germline.
Comment: This variant has not been reported in the literature in individuals affected with SCN8A-related conditions. This variant is not present in population databases (gnomAD no frequency). This sequence change replaces arginine, which is basic and polar, with cysteine, which is neutral and slightly polar, at codon 916 of the SCN8A protein (p.Arg916Cys). Algorithms developed to predict the effect of missense changes on protein structure and function are either unavailable or do not agree on the potential impact of this missense change (SIFT: "Deleterious"; PolyPhen-2: "Probably Damaging"; Align-GVGD: "Class C0"). In summary, the available evidence is currently insufficient to determine the role of this variant in disease. Therefore, it has been classified as a Variant of Uncertain Significance.